The following is an entry in ClinVar:

ClinVar aggregate classification (germline): Uncertain significance (1 of 4 stars; one submission).

Conditions:
Adenylosuccinate lyase deficiency (ADSLD). Also called: ADSL DEFICIENCY. Identifiers: Orphanet 46, MedGen C0268126, MONDO:0007068, OMIM 103050.

Allele frequency attached by ClinVar (database versions not stated): TOPMed 0.00005.

Submission:

Labcorp Genetics (formerly Invitae), Labcorp
Classification: Uncertain significance for Adenylosuccinate lyase deficiency. Last evaluated: 2024-01-15. Review status: criteria provided, single submitter. Criteria: Invitae Variant Classification Sherloc (09022015). Collection method: clinical testing. Allele origin: germline.
Comment: This variant occurs in a non-coding region of the ADSL gene. It does not change the encoded amino acid sequence of the ADSL protein. This variant is present in population databases (no rsID available, gnomAD 0.1%). This variant has not been reported in the literature in individuals affected with ADSL-related conditions. Experimental studies and prediction algorithms are not available or were not evaluated, and the functional significance of this variant is currently unknown. In summary, the available evidence is currently insufficient to determine the role of this variant in disease. Therefore, it has been classified as a Variant of Uncertain Significance.

NC_000022.11:g.40346243G>A

Gene: ADSL (adenylosuccinate lyase; plus strand). Cytogenetic location: 22q13.1.
Variant type: single nucleotide variant.
Genome position: GRCh38 VCF-style: chr22-40346243-G-A. GRCh37 (hg19) VCF-style: chr22-40742247-G-A.
Identifiers: ClinVar variation 2140336 (VCV002140336.3), dbSNP rs1051513265, ClinGen allele CA639408299.